The following is an entry in ClinVar:

ClinVar aggregate classification (germline): Pathogenic. Review status: criteria provided, single submitter (1 of 4 stars). 2 submissions from 2 submitters: Pathogenic (1). 1 of the submissions does not count toward it. Last evaluated 2026-08-19.

Conditions:
Methylmalonic aciduria, cblB type (MACB). Also called: METHYLMALONIC ACIDURIA, VITAMIN B12-RESPONSIVE, DUE TO DEFECT IN SYNTHESIS OF ADENOSYLCOBALAMIN, cblB TYPE; Methylmalonic acidemia cblB type; Vitamin B12-responsive methylmalonic acidemia type cblB. Identifiers: Orphanet 28, Orphanet 79311, MedGen C1855102, MONDO:0009614, OMIM 251110.
Methylmalonic aciduria, cblA type (MACA). Also called: Methylmalonic aciduria, vitamin B12-responsive; Methylmalonic aciduria, vitamin b12-responsive, due to defect in synthesis of adenosylcobalamin, cbla complementation type; MMA cbl A type; Methylmalonic acidemia cblA type; Vitamin B12-responsive methylmalonic acidemia type cblA. Identifiers: Orphanet 28, Orphanet 79310, MedGen C1855109, MONDO:0009613, OMIM 251100.

Submissions (2):

Myriad Genetics, Inc.
Classification: Pathogenic for Methylmalonic aciduria, cblA type. Last evaluated: 2026-08-19. Review status: criteria provided, single submitter. Criteria: Myriad Autosomal Dominant, Autosomal Recessive and X-Linked Classification Criteria (2023). Collection method: clinical testing. Allele origin: unknown.
Comment: NM_172250.2(MMAA):c.370C>T(Q124*) is a nonsense variant classified as pathogenic in the context of methylmalonic acidemia, cblA type. Q124* has not been observed in cases with relevant disease. Relevant functional assessments of this variant are not available in the literature. Q124* has not been observed in referenced population frequency databases. In summary, NM_172250.2(MMAA):c.370C>T(Q124*) is a nonsense variant in a gene where loss of function is a known mechanism of disease and is predicted to disrupt protein function. Please note: this variant was assessed in the context of healthy population screening.

Inserm U 954, Faculté de Médecine de Nancy
No classification provided. Review status: no classification provided. Collection method: not provided. Allele origin: unknown. Not counted in ClinVar's aggregate classification.

NM_172250.3(MMAA):c.370C>T (p.Gln124Ter)

Gene: MMAA (metabolism of cobalamin associated A; plus strand). Cytogenetic location: 4q31.21.
Variant type: single nucleotide variant.
Coding change: c.370C>T on transcript NM_172250.3 (MANE Select); coding-DNA position 370, C replaced by T.
Protein change: p.Gln124Ter; replaces glutamine 124 with a stop codon.
Molecular consequence: nonsense.
Genome position (GRCh38, 1-based): chr4:145,639,509, C>T. VCF-style: chr4-145639509-C-T. GRCh37 (hg19) VCF-style: chr4-146560661-C-T.
Other names: short protein forms Q124*.
Identifiers: ClinVar variation 208199 (VCV000208199.3), dbSNP rs796064514, ClinGen allele CA278522.